The following is an entry in ClinVar:

NM_000363.5(TNNI3):c.213G>A (p.Glu71=)

Gene: TNNI3 (troponin I3, cardiac type; minus strand). Cytogenetic location: 19q13.42.
Variant type: single nucleotide variant.
Coding change: c.213G>A on transcript NM_000363.5 (MANE Select); coding-DNA position 213, G replaced by A.
Protein change: p.Glu71=; no amino-acid change (glutamic acid 71 retained).
Molecular consequence: synonymous variant.
Genome position (GRCh38, 1-based): chr19:55,156,270, C>T on the plus strand (G>A on the coding strand, the complement: TNNI3 is on the minus strand). VCF-style: chr19-55156270-C-T. GRCh37 (hg19) VCF-style: chr19-55667638-C-T.
Other names: c.213G>A (NM_000363.4).
Identifiers: ClinVar variation 1124201 (VCV001124201.11), dbSNP rs770487905, ClinGen allele CA050658.

ClinVar aggregate classification (germline): Likely benign. Review status: criteria provided, multiple submitters, no conflicts (2 of 4 stars). 3 submissions from 3 submitters: Likely benign (3). Last evaluated 2024-12-27.

Conditions:
Hypertrophic cardiomyopathy. Also called: HYPERTROPHIC MYOCARDIOPATHY. Identifiers: Orphanet 217569, MedGen C0007194, MeSH D002312, MONDO:0005045, HP:0001639.
Cardiovascular phenotype. Identifiers: MedGen CN230736.

Allele frequency attached by ClinVar (database versions not stated): TOPMed below 0.00001; gnomAD exomes 0.00001; ExAC 0.00003.
gnomAD v4.1: 3 of 1,611,698 alleles (0.00019%); highest among the groups gnomAD compares: Admixed American, 0.005%; no homozygotes.

Submissions (3):

Labcorp Genetics (formerly Invitae), Labcorp
Classification: Likely benign for Hypertrophic cardiomyopathy. Last evaluated: 2024-12-27. Review status: criteria provided, single submitter. Criteria: Invitae Variant Classification Sherloc (09022015). Collection method: clinical testing. Allele origin: germline.

All of Us Research Program, National Institutes of Health
Classification: Likely benign for Hypertrophic cardiomyopathy. Last evaluated: 2023-12-13. Review status: criteria provided, single submitter. Criteria: ACMG Guidelines, 2015. Collection method: clinical testing. Allele origin: germline. Inheritance: Autosomal dominant inheritance. Observed: 3 variant alleles, 3 heterozygotes.
Comment: This study involves interpretation of variants in research participants for the purpose of population health screening. Participant phenotype was not available at the time of variant classification. Additional details can be found in publication PMID: 35346344, PMCID: PMC8962531

Ambry Genetics
Classification: Likely benign for Cardiovascular phenotype. Last evaluated: 2023-01-30. Review status: criteria provided, single submitter. Criteria: Ambry Variant Classification Scheme 2023. Collection method: clinical testing. Allele origin: germline.